The following is an entry in ClinVar:

ClinVar aggregate classification (germline): Uncertain significance (1 of 4 stars; one submission).

Submission:

Labcorp Genetics (formerly Invitae), Labcorp
Classification: Uncertain significance. Last evaluated: 2025-03-06. Review status: criteria provided, single submitter. Criteria: Invitae Variant Classification Sherloc (09022015). Collection method: clinical testing. Allele origin: germline.
Comment: This sequence change replaces valine, which is neutral and non-polar, with alanine, which is neutral and non-polar, at codon 513 of the OBSL1 protein (p.Val513Ala). This variant is not present in population databases (gnomAD no frequency). This variant has not been reported in the literature in individuals affected with OBSL1-related conditions. ClinVar contains an entry for this variant (Variation ID: 2959752). An algorithm developed to predict the effect of missense changes on protein structure and function (PolyPhen-2) suggests that this variant is likely to be tolerated. In summary, the available evidence is currently insufficient to determine the role of this variant in disease. Therefore, it has been classified as a Variant of Uncertain Significance.

NM_015311.3(OBSL1):c.1538T>C (p.Val513Ala)

Gene: OBSL1 (obscurin like cytoskeletal adaptor 1; minus strand). Cytogenetic location: 2q35.
Variant type: single nucleotide variant.
Coding change: c.1538T>C on transcript NM_015311.3 (MANE Select); coding-DNA position 1538, T replaced by C.
Protein change: p.Val513Ala; replaces valine 513 with alanine.
Molecular consequence: missense variant.
Genome position (GRCh38, 1-based): chr2:219,567,572, A>G on the plus strand (T>C on the coding strand, the complement: OBSL1 is on the minus strand). VCF-style: chr2-219567572-A-G. GRCh37 (hg19) VCF-style: chr2-220432294-A-G.
Other names: c.1538T>C, p.Val513Ala (NM_001173408.2, NM_001173431.2); short protein forms V513A.
Identifiers: ClinVar variation 2959752 (VCV002959752.3), dbSNP rs2469061716, ClinGen allele CA350758414.